The following is an entry in ClinVar:

NM_000136.3(FANCC):c.815T>G (p.Ile272Ser)

Genes: AOPEP (aminopeptidase O (putative); plus strand), FANCC (FA complementation group C; minus strand). Cytogenetic location: 9q22.32.
Variant type: single nucleotide variant.
Coding change: c.815T>G on transcript NM_000136.3 (MANE Select); coding-DNA position 815, T replaced by G.
Protein change: p.Ile272Ser; replaces isoleucine 272 with serine.
Molecular consequence: missense variant.
Genome position (GRCh38, 1-based): chr9:95,135,374, A>C on the plus strand (T>G on the coding strand, the complement: FANCC is on the minus strand). VCF-style: chr9-95135374-A-C. GRCh37 (hg19) VCF-style: chr9-97897656-A-C.
Other names: c.815T>G, p.Ile272Ser (NM_001243743.2, NM_001243744.2); short protein forms I272S.
Identifiers: ClinVar variation 864191 (VCV000864191.12), dbSNP rs1827523728, ClinGen allele CA374109226.

ClinVar aggregate classification (germline): Uncertain significance. Review status: criteria provided, multiple submitters, no conflicts (2 of 4 stars). 2 submissions from 2 submitters: Uncertain significance (2). Last evaluated 2020-09-29.

Conditions:
Fanconi anemia (FA). Also called: Fanconi's anemia. Identifiers: Orphanet 84, MedGen C0015625, MeSH D005199, MONDO:0019391.
Hereditary cancer-predisposing syndrome. Also called: Hereditary Cancer Syndrome; Tumor predisposition; Neoplastic Syndromes, Hereditary; Hereditary neoplastic syndrome. Identifiers: Orphanet 140162, MedGen C0027672, MeSH D009386, MONDO:0015356.

Submissions (2):

Ambry Genetics
Classification: Uncertain significance for Hereditary cancer-predisposing syndrome. Last evaluated: 2020-09-29. Review status: criteria provided, single submitter. Criteria: Ambry Variant Classification Scheme 2023. Collection method: clinical testing. Allele origin: germline.
Comment: The p.I272S variant (also known as c.815T>G), located in coding exon 7 of the FANCC gene, results from a T to G substitution at nucleotide position 815. The isoleucine at codon 272 is replaced by serine, an amino acid with dissimilar properties. This amino acid position is poorly conserved in available vertebrate species. In addition, the in silico prediction for this alteration is inconclusive. Since supporting evidence is limited at this time, the clinical significance of this alteration remains unclear.

Labcorp Genetics (formerly Invitae), Labcorp
Classification: Uncertain significance for Fanconi anemia. Last evaluated: 2019-11-18. Review status: criteria provided, single submitter. Criteria: Invitae Variant Classification Sherloc (09022015). Collection method: clinical testing. Allele origin: germline.
Comment: Algorithms developed to predict the effect of missense changes on protein structure and function are either unavailable or do not agree on the potential impact of this missense change (SIFT: "Deleterious"; PolyPhen-2: "Benign"; Align-GVGD: "Class C35"). In summary, the available evidence is currently insufficient to determine the role of this variant in disease. Therefore, it has been classified as a Variant of Uncertain Significance. This variant has not been reported in the literature in individuals with FANCC-related conditions. This variant is not present in population databases (ExAC no frequency). This sequence change replaces isoleucine with serine at codon 272 of the FANCC protein (p.Ile272Ser). The isoleucine residue is weakly conserved and there is a large physicochemical difference between isoleucine and serine.